The following is an entry in ClinVar:

NM_017654.4(SAMD9):c.2853G>A (p.Trp951Ter)

Gene: SAMD9 (sterile alpha motif domain containing 9; minus strand). Cytogenetic location: 7q21.2.
Variant type: single nucleotide variant.
Coding change: c.2853G>A on transcript NM_017654.4 (MANE Select); coding-DNA position 2853, G replaced by A.
Protein change: p.Trp951Ter; replaces tryptophan 951 with a stop codon.
Molecular consequence: nonsense.
Genome position (GRCh38, 1-based): chr7:93,103,245, C>T on the plus strand (G>A on the coding strand, the complement: SAMD9 is on the minus strand). VCF-style: chr7-93103245-C-T. GRCh37 (hg19) VCF-style: chr7-92732558-C-T.
Other names: c.2853G>A, p.Trp951Ter (NM_001193307.2); short protein forms W951*.
Identifiers: ClinVar variation 2906388 (VCV002906388.3), dbSNP rs2535357088, ClinGen allele CA368189399.

ClinVar aggregate classification (germline): Uncertain significance (1 of 4 stars; one submission).

Allele frequency attached by ClinVar (database versions not stated): gnomAD exomes below 0.00001.
gnomAD v4.1: 2 of 1,613,646 alleles (0.00012%); highest among the groups gnomAD compares: Non-Finnish European, 0.00017%; no homozygotes.

Submission:

Labcorp Genetics (formerly Invitae), Labcorp
Classification: Uncertain significance. Last evaluated: 2024-04-23. Review status: criteria provided, single submitter. Criteria: Invitae Variant Classification Sherloc (09022015). Collection method: clinical testing. Allele origin: germline.
Comment: This sequence change creates a premature translational stop signal (p.Trp951*) in the SAMD9 gene. While this is not anticipated to result in nonsense mediated decay, it is expected to disrupt the last 639 amino acid(s) of the SAMD9 protein. This variant is not present in population databases (gnomAD no frequency). This variant has not been reported in the literature in individuals affected with SAMD9-related conditions. In summary, the available evidence is currently insufficient to determine the role of this variant in disease. Therefore, it has been classified as a Variant of Uncertain Significance.